The following is an entry in ClinVar:

NM_017721.5(CC2D1A):c.1061dup (p.Arg355fs)

Gene: CC2D1A (coiled-coil and C2 domain containing 1A; plus strand). Cytogenetic location: 19p13.12.
Variant type: Duplication.
Coding change: c.1061dup on transcript NM_017721.5 (MANE Select); coding-DNA position 1061, one base duplicated (A; older notation c.1061dupA).
Protein change: p.Arg355fs; shifts the reading frame from arginine 355.
Molecular consequence: frameshift variant.
Genome position (GRCh38, 1-based): chr19:13,918,954, A duplicated. VCF-style (leftmost placement, unchanged base first): chr19-13918953-C-CA. GRCh37 (hg19) VCF-style: chr19-14029766-C-CA.
Other names: c.1061dup, p.Arg355fs (NM_001411138.1); short protein forms R355fs.
Identifiers: ClinVar variation 2753777 (VCV002753777.4), dbSNP rs2513094283, ClinGen allele CA2582868204.
Genomic context (GRCh38, chr19:13,918,953, plus strand): 5'-GTCCCCCTGTCCGGCCCAGAGGTGCCCCCACCCCCGAGGACCCTGCTGGAGGCGCTGGAG[C>CA]AGCGGATGGAGCGGTACCAGGTGGCCGCAGCCCAGGCCAAGAGCAAGGGGGACCAGCGGA-3'

ClinVar aggregate classification (germline): Pathogenic/Likely pathogenic. Review status: criteria provided, multiple submitters, no conflicts (2 of 4 stars). 2 submissions from 2 submitters: Pathogenic (1); Likely pathogenic (1). Last evaluated 2024-04-01.

Conditions:
Intellectual developmental disorder, autosomal recessive 3. Also called: Intellectual disability, autosomal recessive 3. Identifiers: Orphanet 88616, MedGen C1838023, MONDO:0012037, OMIM 608443.

Allele frequency attached by ClinVar (database versions not stated): gnomAD exomes below 0.00001.

Submissions (2):

Fulgent Genetics
Classification: Likely pathogenic for Intellectual developmental disorder, autosomal recessive 3. Last evaluated: 2024-04-01. Review status: criteria provided, single submitter. Criteria: ACMG Guidelines, 2015. Collection method: clinical testing. Allele origin: germline.

Labcorp Genetics (formerly Invitae), Labcorp
Classification: Pathogenic. Last evaluated: 2023-09-27. Review status: criteria provided, single submitter. Criteria: Invitae Variant Classification Sherloc (09022015). Collection method: clinical testing. Allele origin: germline.
Comment: For these reasons, this variant has been classified as Pathogenic. This variant has not been reported in the literature in individuals affected with CC2D1A-related conditions. This variant is not present in population databases (gnomAD no frequency). This sequence change creates a premature translational stop signal (p.Arg355Alafs*48) in the CC2D1A gene. It is expected to result in an absent or disrupted protein product. Loss-of-function variants in CC2D1A are known to be pathogenic (PMID: 16033914).

Literature cited by the submitters: PubMed 16033914 (cited by Labcorp Genetics (formerly Invitae), Labcorp).